The following is an entry in ClinVar:

ClinVar aggregate classification (germline): Uncertain significance. Review status: criteria provided, multiple submitters, no conflicts (2 of 4 stars). 2 submissions from 2 submitters: Uncertain significance (2). Last evaluated 2024-11-30.

Conditions:
Inborn genetic diseases. Identifiers: MedGen C0950123, MeSH D030342.

Allele frequency attached by ClinVar (database versions not stated): gnomAD 0.00001 and 0.00005; TOPMed 0.00003; gnomAD exomes 0.00006 and 0.00017; ExAC 0.00015; 1000 Genomes Project 30x 0.00031; 1000 Genomes Project 0.00040.
gnomAD v4.1: 110 of 1,613,070 alleles (0.0068%); highest among the groups gnomAD compares: South Asian, 0.11%; no homozygotes.

Submissions (2):

Labcorp Genetics (formerly Invitae), Labcorp
Classification: Uncertain significance. Last evaluated: 2024-11-30. Review status: criteria provided, single submitter. Criteria: Invitae Variant Classification Sherloc (09022015). Collection method: clinical testing. Allele origin: germline.
Comment: This sequence change replaces serine, which is neutral and polar, with glycine, which is neutral and non-polar, at codon 1136 of the KIAA1549 protein (p.Ser1136Gly). This variant is present in population databases (rs543944276, gnomAD 0.1%). This variant has not been reported in the literature in individuals affected with KIAA1549-related conditions. ClinVar contains an entry for this variant (Variation ID: 1025952). An algorithm developed to predict the effect of missense changes on protein structure and function (PolyPhen-2) suggests that this variant is likely to be disruptive. In summary, the available evidence is currently insufficient to determine the role of this variant in disease. Therefore, it has been classified as a Variant of Uncertain Significance.

Ambry Genetics
Classification: Uncertain significance for Inborn genetic diseases. Last evaluated: 2024-05-20. Review status: criteria provided, single submitter. Criteria: Ambry Variant Classification Scheme 2023. Collection method: clinical testing. Allele origin: germline.

NM_001164665.2(KIAA1549):c.3406A>G (p.Ser1136Gly)

Gene: KIAA1549 (KIAA1549; minus strand). Cytogenetic location: 7q34.
Variant type: single nucleotide variant.
Coding change: c.3406A>G on transcript NM_001164665.2 (MANE Select); coding-DNA position 3406, A replaced by G.
Protein change: p.Ser1136Gly; replaces serine 1136 with glycine.
Molecular consequence: missense variant.
Genome position (GRCh38, 1-based): chr7:138,906,973, T>C on the plus strand (A>G on the coding strand, the complement: KIAA1549 is on the minus strand). VCF-style: chr7-138906973-T-C. GRCh37 (hg19) VCF-style: chr7-138591719-T-C.
Other names: c.3406A>G, p.Ser1136Gly (NM_020910.3); c.3406A>G (NM_001164665.1); short protein forms S1136G.
Identifiers: ClinVar variation 1025952 (VCV001025952.10), dbSNP rs543944276, ClinGen allele CA4506219.